The following is an entry in ClinVar:

ClinVar aggregate classification (germline): Likely pathogenic (1 of 4 stars; one submission).

Conditions:
Cardiovascular phenotype. Identifiers: MedGen CN230736.

Submission:

Ambry Genetics
Classification: Likely pathogenic for Cardiovascular phenotype. Last evaluated: 2026-01-30. Review status: criteria provided, single submitter. Criteria: Ambry Variant Classification Scheme 2023. Collection method: clinical testing. Allele origin: germline.
Comment: The p.S9345* variant (also known as c.28034C>G), located in coding exon 111 of the TTN gene, results from a C to G substitution at nucleotide position 28034. This changes the amino acid from a serine to a stop codon within coding exon 111. This exon is located in the A-band region of the N2-B isoform of the titin protein and is constitutively expressed in TTN transcripts (percent spliced in or PSI 100%). This variant is expected to result in loss of function by premature protein truncation or nonsense-mediated mRNA decay. While truncating variants in TTN are present in 1-3% of the general population, truncating variants in the A-band are the most common cause of dilated cardiomyopathy (Herman DS et al. N. Engl. J. Med., 2012 Feb;366:619-28; Roberts AM et al. Sci Transl Med, 2015 Jan;7:270ra6). TTN truncating variants encoded in constitutive exons (PSI >90%) have been found to be significantly associated with DCM regardless of their position in titin (Schafer S et al. Nat. Genet., 2017 01;49:46-53; Akhtar MM et al. Circ Heart Fail, 2020 Oct;13:e006832; Massier M et al. Clin Genet, 2025 Jan). This variant is considered to be rare based on population cohorts in the Genome Aggregation Database (gnomAD). Based on the majority of available evidence to date, this variant is likely to be pathogenic.

NM_001267550.2(TTN):c.55229C>G (p.Ser18410Ter)

Genes: TTN (titin; minus strand), TTN-AS1 (TTN antisense RNA 1; plus strand). Cytogenetic location: 2q31.2.
Variant type: single nucleotide variant.
Coding change: c.55229C>G on transcript NM_001267550.2 (MANE Select); coding-DNA position 55229, C replaced by G.
Protein change: p.Ser18410Ter; replaces serine 18410 with a stop codon.
Molecular consequence: nonsense.
Genome position (GRCh38, 1-based): chr2:178,602,042, G>C on the plus strand (C>G on the coding strand, the complement: TTN is on the minus strand). VCF-style: chr2-178602042-G-C. GRCh37 (hg19) VCF-style: chr2-179466769-G-C.
Other names: c.50306C>G, p.Ser16769Ter (NM_001256850.1); c.28034C>G, p.Ser9345Ter (NM_003319.4); c.47525C>G, p.Ser15842Ter (NM_133378.4); c.28409C>G, p.Ser9470Ter (NM_133432.3); c.28610C>G, p.Ser9537Ter (NM_133437.4); short protein forms S9470*, S16769*, S9537*, S15842*, S18410*, S9345*.
Identifiers: ClinVar variation 4824729 (VCV004824729.1).